The following is an entry in ClinVar:

ClinVar aggregate classification (germline): Uncertain significance (1 of 4 stars; one submission).

Submission:

GeneDx
Classification: Uncertain significance. Last evaluated: 2025-02-06. Review status: criteria provided, single submitter. Criteria: GeneDx Variant Classification Process June 2021. Collection method: clinical testing. Allele origin: germline. Affected: yes.
Comment: Not observed at significant frequency in large population cohorts (gnomAD); In silico analysis supports that this missense variant has a deleterious effect on protein structure/function; Has not been previously published as pathogenic or benign to our knowledge

NM_023110.3(FGFR1):c.278C>T (p.Pro93Leu)

Gene: FGFR1 (fibroblast growth factor receptor 1; minus strand). Cytogenetic location: 8p11.23.
Variant type: single nucleotide variant.
Coding change: c.278C>T on transcript NM_023110.3 (MANE Select); coding-DNA position 278, C replaced by T.
Protein change: p.Pro93Leu; replaces proline 93 with leucine.
Molecular consequence: missense variant. On other transcripts: intron variant (5).
Genome position (GRCh38, 1-based): chr8:38,429,762, G>A on the plus strand (C>T on the coding strand, the complement: FGFR1 is on the minus strand). VCF-style: chr8-38429762-G-A. GRCh37 (hg19) VCF-style: chr8-38287280-G-A.
Other names: c.278C>T, p.Pro93Leu (NM_001174063.2, NM_001174065.2, NM_001354367.2 and 3 more transcripts); c.254C>T, p.Pro85Leu (NM_001174064.2); c.377C>T, p.Pro126Leu (NM_001174067.2); c.92-1327C>T (NM_001354368.2, NM_001354370.2, NM_023106.3 and 2 more transcripts); short protein forms P126L, P85L, P93L.
Identifiers: ClinVar variation 3383743 (VCV003383743.2).